The following is an entry in ClinVar:

NM_007294.4(BRCA1):c.5278-21T>A

Gene: BRCA1 (BRCA1 DNA repair associated; minus strand). Cytogenetic location: 17q21.31.
Variant type: single nucleotide variant.
Coding change: c.5278-21T>A on transcript NM_007294.4 (MANE Select); 21 bases into the intron before coding-DNA position 5278, T replaced by A.
Molecular consequence: intron variant.
Genome position (GRCh38, 1-based): chr17:43,051,138, A>T on the plus strand (T>A on the coding strand, the complement: BRCA1 is on the minus strand). VCF-style: chr17-43051138-A-T. GRCh37 (hg19) VCF-style: chr17-41203155-A-T.
Other names: c.1825-21T>A (NM_001408458.1, NM_001408461.1, NM_001408464.1 and 7 more transcripts); c.4387-21T>A (NM_001407967.1); c.4897-21T>A (NM_001407959.1); c.5011-21T>A (NM_001407931.1, NM_001407932.1, NM_001407928.1 and 4 more transcripts); c.5134-21T>A (NM_001407747.1, NM_001407745.1, NM_001407737.1 and 21 more transcripts); c.4894-21T>A (NM_001407962.1, NM_001407960.1); c.1465-21T>A (NM_001408512.1); c.1588-21T>A (NM_001408510.1); and 74 more.
Identifiers: ClinVar variation 868263 (VCV000868263.3), dbSNP rs2051219103, ClinGen allele CA656358829.

Conditions:
Breast-ovarian cancer, familial, susceptibility to, 1 (BROVCA1). Also called: BRCA1 Hereditary Breast and Ovarian Cancer; OVARIAN CANCER, SUSCEPTIBILITY TO. Identifiers: Orphanet 145, MedGen C2676676, MONDO:0011450, OMIM 604370. Disease mechanism: loss of function.

Submission:

Brotman Baty Institute, University of Washington
No classification provided (evidence only). Condition: Breast-ovarian cancer, familial 1. Review status: no classification provided. Collection method: in vitro. Allele origin: not applicable. Functional consequence: functionally_normal.
ClinVar note: "not provided" was previously submitted as the classification for the variant. However, the classification appeared to be based only on an observation of functional data so it was converted to no classification on 2025-07-30.